The following is an entry in ClinVar:

ClinVar aggregate classification (germline): Uncertain significance (1 of 4 stars; one submission).

Conditions:
Hypertrophic cardiomyopathy. Also called: HYPERTROPHIC MYOCARDIOPATHY. Identifiers: Orphanet 217569, MedGen C0007194, MeSH D002312, MONDO:0005045, HP:0001639.

gnomAD v4.1: 6 of 1,596,064 alleles (0.00038%); highest among the groups gnomAD compares: East Asian, 0.013%; no homozygotes.

Submission:

Labcorp Genetics (formerly Invitae), Labcorp
Classification: Uncertain significance for Hypertrophic cardiomyopathy. Last evaluated: 2025-06-22. Review status: criteria provided, single submitter. Criteria: Invitae Variant Classification Sherloc (09022015). Collection method: clinical testing. Allele origin: germline.
Comment: This sequence change replaces proline, which is neutral and non-polar, with leucine, which is neutral and non-polar, at codon 612 of the JPH2 protein (p.Pro612Leu). This variant is present in population databases (rs762277300, gnomAD 0.02%). This variant has not been reported in the literature in individuals affected with JPH2-related conditions. An algorithm developed to predict the effect of missense changes on protein structure and function outputs the following: PolyPhen-2: "Benign". The leucine amino acid residue is found in multiple mammalian species, which suggests that this missense change does not adversely affect protein function. In summary, the available evidence is currently insufficient to determine the role of this variant in disease. Therefore, it has been classified as a Variant of Uncertain Significance.

NM_020433.5(JPH2):c.1835C>T (p.Pro612Leu)

Gene: JPH2 (junctophilin 2; minus strand). Cytogenetic location: 20q13.12.
Variant type: single nucleotide variant.
Coding change: c.1835C>T on transcript NM_020433.5 (MANE Select); coding-DNA position 1835, C replaced by T.
Protein change: p.Pro612Leu; replaces proline 612 with leucine.
Molecular consequence: missense variant.
Genome position (GRCh38, 1-based): chr20:44,115,840, G>A on the plus strand (C>T on the coding strand, the complement: JPH2 is on the minus strand). VCF-style: chr20-44115840-G-A. GRCh37 (hg19) VCF-style: chr20-42744480-G-A.
Other names: short protein forms P612L.
Identifiers: ClinVar variation 4700524 (VCV004700524.1).
Genomic context (GRCh38, chr20:44,115,840, plus strand): 5'-TCGGCTTTGGGGATGATGGGCTTGGGCTCCAGCTTGGCGGGGGTCTCGCGTGCAGGCTCG[G>A]GGCCTCGGAGCGTGGGGGCCTGCAGCGGGGCGGTGGCCGGGGACGAGGGCGCGGACTCGG-3'
Protein context (NP_065166.2, residues 602-622): APLQAPTLRG[Pro612Leu]EPARETPAKL